The following is an entry in ClinVar:

NM_000512.5(GALNS):c.704C>G (p.Thr235Arg)

Gene: GALNS (galactosamine (N-acetyl)-6-sulfatase; minus strand). Cytogenetic location: 16q24.3.
Variant type: single nucleotide variant.
Coding change: c.704C>G on transcript NM_000512.5 (MANE Select); coding-DNA position 704, C replaced by G.
Protein change: p.Thr235Arg; replaces threonine 235 with arginine.
Molecular consequence: missense variant.
Genome position (GRCh38, 1-based): chr16:88,835,779, G>C on the plus strand (C>G on the coding strand, the complement: GALNS is on the minus strand). VCF-style: chr16-88835779-G-C. GRCh37 (hg19) VCF-style: chr16-88902187-G-C.
Other names: c.149C>G, p.Thr50Arg (NM_001323543.2); c.722C>G, p.Thr241Arg (NM_001323544.2); short protein forms T235R, T241R, T50R.
Identifiers: ClinVar variation 3355654 (VCV003355654.1).

ClinVar aggregate classification (germline): Uncertain significance (0 of 4 stars; one submission).

Conditions:
GALNS-related disorder. Also called: GALNS-related condition.

gnomAD v4.1: 2 of 1,614,146 alleles (0.00012%); highest among the groups gnomAD compares: African/African-American, 0.0027%; no homozygotes.

Submission:

PreventionGenetics, part of Exact Sciences
Classification: Uncertain significance for GALNS-related condition. Last evaluated: 2024-05-01. Review status: no assertion criteria provided. Collection method: clinical testing. Allele origin: germline.
Comment: The GALNS c.704C>G variant is predicted to result in the amino acid substitution p.Thr235Arg. To our knowledge, this variant has not been reported in the literature or in a large population database, indicating this variant is rare. Different variants affecting the same amino acid (Thr235Lys and Thr235Met) were reported in individuals with mucopolysaccharidosis IVa and Parkinson disease, late-onset (Morrone et al. 2014. PubMed ID: 24726177; Zhao et al. 2021. PubMed ID: 34867278). This variant could be pathogenic. At this time, the clinical significance of this variant is uncertain due to the absence of conclusive functional and genetic evidence.